The following is an entry in ClinVar:

NM_020117.11(LARS1):c.1182C>T (p.Ser394=)

Gene: LARS1 (leucyl-tRNA synthetase 1; minus strand). Cytogenetic location: 5q32.
Variant type: single nucleotide variant.
Coding change: c.1182C>T on transcript NM_020117.11 (MANE Select); coding-DNA position 1182, C replaced by T.
Protein change: p.Ser394=; no amino-acid change (serine 394 retained).
Molecular consequence: synonymous variant.
Genome position (GRCh38, 1-based): chr5:146,153,782, G>A on the plus strand (C>T on the coding strand, the complement: LARS1 is on the minus strand). VCF-style: chr5-146153782-G-A. GRCh37 (hg19) VCF-style: chr5-145533345-G-A.
Other names: c.1044C>T, p.Ser348= (NM_001317964.2); c.1020C>T, p.Ser340= (NM_001317965.2); c.1101C>T, p.Ser367= (NM_016460.4).
Identifiers: ClinVar variation 506827 (VCV000506827.3), dbSNP rs367858308, ClinGen allele CA3489710.

ClinVar aggregate classification (germline): Likely benign. Review status: criteria provided, multiple submitters, no conflicts (2 of 4 stars). 3 submissions from 3 submitters: Likely benign (3). Last evaluated 2025-04-08.

Allele frequency attached by ClinVar (database versions not stated): TOPMed 0.00012; ESP Exome Variant Server 0.00015; gnomAD 0.00016.
gnomAD v4.1: 179 of 1,613,850 alleles (0.011%); highest among the groups gnomAD compares: African/African-American, 0.02%; no homozygotes.

Submissions (3):

Labcorp Genetics (formerly Invitae), Labcorp
Classification: Likely benign. Last evaluated: 2025-04-08. Review status: criteria provided, single submitter. Criteria: Invitae Variant Classification Sherloc (09022015). Collection method: clinical testing. Allele origin: germline.

Ambry Genetics
Classification: Likely benign. Last evaluated: 2024-01-03. Review status: criteria provided, single submitter. Criteria: Ambry Variant Classification Scheme 2023. Collection method: clinical testing. Allele origin: germline.

GeneDx
Classification: Likely benign. Last evaluated: 2017-01-24. Review status: criteria provided, single submitter. Criteria: GeneDx Variant Classification (06012015). Collection method: clinical testing. Allele origin: germline. Affected: yes.
Comment: This variant is considered likely benign or benign based on one or more of the following criteria: it is a conservative change, it occurs at a poorly conserved position in the protein, it is predicted to be benign by multiple in silico algorithms, and/or has population frequency not consistent with disease.